The following is an entry in ClinVar:

ClinVar aggregate classification (germline): Pathogenic/Likely pathogenic. Review status: criteria provided, multiple submitters, no conflicts (2 of 4 stars). 5 submissions from 5 submitters: Pathogenic (3); Likely pathogenic (2). Last evaluated 2026-07-30.

Conditions:
Cardiovascular phenotype. Identifiers: MedGen CN230736.
Hereditary cancer-predisposing syndrome. Also called: Hereditary Cancer Syndrome; Tumor predisposition; Hereditary neoplastic syndrome; Neoplastic Syndromes, Hereditary. Identifiers: Orphanet 140162, MedGen C0027672, MeSH D009386, MONDO:0015356.
Neurofibromatosis, type 1 (NF1). Also called: Peripheral type neurofibromatosis; Neurofibromatosis, type I; VON RECKLINGHAUSEN DISEASE; NEUROFIBROMATOSIS, TYPE I, SOMATIC. Identifiers: Orphanet 636, MedGen C0027831, MONDO:0018975, OMIM 162200. Disease mechanism: loss of function.

Submissions (5):

Ambry Genetics
Classification: Pathogenic for Cardiovascular phenotype; Hereditary cancer-predisposing syndrome. Last evaluated: 2026-07-30. Review status: criteria provided, single submitter. Criteria: Ambry Variant Classification Scheme 2023. Collection method: clinical testing. Allele origin: germline.
Comment: The p.G1498E variant (also known as c.4493G>A), located in coding exon 33 of the NF1 gene, results from a G to A substitution at nucleotide position 4493. The glycine at codon 1498 is replaced by glutamic acid, an amino acid with similar properties. This variant has been identified in multiple individuals with clinical diagnoses or suspicion of neurofibromatosis type 1 (NF1) (Sabbagh A et al. Hum Mutat, 2013 Nov;34:1510-8; Xu W et al. Int J Mol Med, 2014 Jul;34:53-60; (Hirata Y et al. J Biol Chem, 2016 Feb;291:3124-34). This amino acid position is highly conserved in available vertebrate species. In addition, this alteration is predicted to be deleterious by in silico analysis. This missense variant is located in a region that has a low rate of benign missense variation (Lek M et al. Nature. 2016 Aug 18;536(7616):285-91; DECIPHER: Database of Chromosomal Imbalance and Phenotype in Humans using Ensembl Resources. Firth H.V. et al. 2009. Am.J.Hum.Genet. 84, 524-533 (DOI)). This variant is considered to be rare based on population cohorts in the Genome Aggregation Database (gnomAD). Based on the supporting evidence, this variant is interpreted as a disease-causing mutation.

Labcorp Genetics (formerly Invitae), Labcorp
Classification: Pathogenic for Neurofibromatosis, type 1. Last evaluated: 2025-07-07. Review status: criteria provided, single submitter. Criteria: Invitae Variant Classification Sherloc (09022015). Collection method: clinical testing. Allele origin: germline.
Comment: This sequence change replaces glycine, which is neutral and non-polar, with glutamic acid, which is acidic and polar, at codon 1498 of the NF1 protein (p.Gly1498Glu). This variant is not present in population databases (gnomAD no frequency). This missense change has been observed in individuals with neurofibromatosis, type 1 (PMID: 26635368). Invitae Evidence Modeling of clinical and family history, age, sex, and reported ancestry of multiple individuals with this NF1 variant has been performed. This variant is expected to be pathogenic with a positive predictive value of at least 99%. This is a validated machine learning model that incorporates the clinical features of 1,785,918 individuals referred to our laboratory for NF1 testing. ClinVar contains an entry for this variant (Variation ID: 565475). Invitae Evidence Modeling of protein sequence and biophysical properties (such as structural, functional, and spatial information, amino acid conservation, physicochemical variation, residue mobility, and thermodynamic stability) indicates that this missense variant is expected to disrupt NF1 protein function with a positive predictive value of 95%. For these reasons, this variant has been classified as Pathogenic.

GeneDx
Classification: Pathogenic. Last evaluated: 2022-07-15. Review status: criteria provided, single submitter. Criteria: GeneDx Variant Classification Process June 2021. Collection method: clinical testing. Allele origin: germline. Affected: yes.
Comment: Not observed in large population cohorts (gnomAD); In silico analysis supports that this missense variant has a deleterious effect on protein structure/function; This variant is associated with the following publications: (PMID: 32697994, 12807981, 18546366, 30104198, 26635368, 22807134)

Genome-Nilou Lab
Classification: Likely pathogenic for Neurofibromatosis, type 1. Last evaluated: 2022-03-15. Review status: criteria provided, single submitter. Criteria: ACMG Guidelines, 2015. Collection method: clinical testing. Allele origin: germline. Affected: no.

Genome Diagnostics Laboratory, The Hospital for Sick Children
Classification: Likely pathogenic for Neurofibromatosis, type 1. Last evaluated: 2020-10-26. Review status: criteria provided, single submitter. Criteria: ACMG Guidelines, 2015. Collection method: clinical testing. Allele origin: germline. Affected: yes.

Literature cited by the submitters: PubMed 23913538 (cited by Ambry Genetics); PubMed 24789688 (cited by Ambry Genetics); PubMed 26635368 (cited by Ambry Genetics and Labcorp Genetics (formerly Invitae), Labcorp).

NM_001042492.3(NF1):c.4556G>A (p.Gly1519Glu)

Gene: NF1 (neurofibromin 1; plus strand). Cytogenetic location: 17q11.2.
Variant type: single nucleotide variant.
Coding change: c.4556G>A on transcript NM_001042492.3 (MANE Select); coding-DNA position 4556, G replaced by A.
Protein change: p.Gly1519Glu; replaces glycine 1519 with glutamic acid.
Molecular consequence: missense variant.
Genome position (GRCh38, 1-based): chr17:31,260,494, G>A. VCF-style: chr17-31260494-G-A. GRCh37 (hg19) VCF-style: chr17-29587512-G-A.
Other names: c.4493G>A, p.Gly1498Glu (NM_000267.4); short protein forms G1498E, G1519E.
Identifiers: ClinVar variation 565475 (VCV000565475.16), dbSNP rs1567863004, ClinGen allele CA398999864.